The following is an entry in ClinVar:

ClinVar aggregate classification (germline): Uncertain significance (1 of 4 stars; one submission).

Conditions:
Hereditary cancer-predisposing syndrome. Also called: Tumor predisposition; Hereditary Cancer Syndrome; Hereditary neoplastic syndrome; Neoplastic Syndromes, Hereditary. Identifiers: Orphanet 140162, MedGen C0027672, MeSH D009386, MONDO:0015356.

gnomAD v4.1: 1 of 1,614,250 alleles (0.000062%); highest among the groups gnomAD compares: Non-Finnish European, 0.000085%; no homozygotes.

Submission:

Ambry Genetics
Classification: Uncertain significance for Hereditary cancer-predisposing syndrome. Last evaluated: 2024-05-17. Review status: criteria provided, single submitter. Criteria: Ambry Variant Classification Scheme 2023. Collection method: clinical testing. Allele origin: germline.
Comment: The c.4967A>G variant (also known as p.D1656G), located in coding exon 22 of the DICER1 gene, results from an A to G substitution at nucleotide position 4967. This nucleotide position is highly conserved in available vertebrate species. In silico splice site analysis predicts that this alteration will result in the creation or strengthening of a novel splice donor site; however, direct evidence is insufficient at this time (Ambry internal data). Based on the available evidence, the clinical significance of this variant remains unclear.

NM_177438.3(DICER1):c.4967A>G (p.Asp1656Gly)

Gene: DICER1 (dicer 1, ribonuclease III; minus strand). Cytogenetic location: 14q32.13.
Variant type: single nucleotide variant.
Coding change: c.4967A>G on transcript NM_177438.3 (MANE Select); coding-DNA position 4967, A replaced by G.
Protein change: p.Asp1656Gly; replaces aspartic acid 1656 with glycine.
Molecular consequence: missense variant. On other transcripts: non-coding transcript variant (6).
Genome position (GRCh38, 1-based): chr14:95,095,953, T>C on the plus strand (A>G on the coding strand, the complement: DICER1 is on the minus strand). VCF-style: chr14-95095953-T-C. GRCh37 (hg19) VCF-style: chr14-95562290-T-C.
Other names: c.4967A>G, p.Asp1656Gly (NM_001195573.1, NM_001271282.3, NM_001291628.2 and 12 more transcripts); c.4685A>G, p.Asp1562Gly (NM_001395686.1); c.4562A>G, p.Asp1521Gly (NM_001395687.1, NM_001395688.1, NM_001395689.1 and 2 more transcripts); c.4400A>G, p.Asp1467Gly (NM_001395691.1); c.3284A>G, p.Asp1095Gly (NM_001395697.1); short protein forms D1467G, D1521G, D1095G, D1562G, D1656G.
Identifiers: ClinVar variation 3272017 (VCV003272017.1).